The following is an entry in ClinVar:

ClinVar aggregate classification (germline): Benign/Likely benign. Review status: criteria provided, multiple submitters, no conflicts (2 of 4 stars). 5 submissions from 5 submitters: Benign (3); Likely benign (1). 1 of the submissions does not count toward it. Last evaluated 2026-01-12.

Conditions:
KCNQ3-related disorder. Also called: KCNQ3-Related Disorders; KCNQ3-related condition. Identifiers: MedGen CN381530.
Benign neonatal seizures. Also called: Convulsions benign familial neonatal dominant form; Autosomal dominant form of benign neonatal seizures; Benign familial neonatal seizures; Benign neonatal familial convulsions; Benign familial neonatal epilepsy. Identifiers: Orphanet 1949, MedGen C0220669, MONDO:0016027.
Seizures, benign familial neonatal, 2. Also called: KCNQ3-Related Self-Limited Familial Neonatal Epilepsy (SLFNE); CONVULSIONS, BENIGN FAMILIAL NEONATAL, 2; Benign Neonatal Epilepsy 2; KCNQ3-Related Benign Familial Neonatal Epilepsy; Seizures, benign neonatal, 2. Identifiers: Orphanet 1949, MedGen C1852581, MONDO:0007366, OMIM 121201.

Allele frequency attached by ClinVar (database versions not stated): gnomAD exomes 0.00018 and 0.00037; gnomAD 0.00019 and 0.00021; TOPMed 0.00023; ExAC 0.00028; ESP Exome Variant Server 0.00031.
gnomAD v4.1: 308 of 1,614,086 alleles (0.019%); highest among the groups gnomAD compares: Non-Finnish European, 0.0037%; 1 homozygote.

Submissions (5):

Labcorp Genetics (formerly Invitae), Labcorp
Classification: Benign for Benign neonatal seizures. Last evaluated: 2026-01-12. Review status: criteria provided, single submitter. Criteria: Invitae Variant Classification Sherloc (09022015). Collection method: clinical testing. Allele origin: germline.

Blueprint Genetics
Classification: Likely benign. Last evaluated: 2024-09-03. Review status: criteria provided, single submitter. Criteria: ACMG Guidelines, 2015. Collection method: clinical testing. Allele origin: germline.

Illumina Laboratory Services, Illumina
Classification: Benign for Seizures, benign familial neonatal, 2. Last evaluated: 2018-01-12. Review status: criteria provided, single submitter. Criteria: ICSL Variant Classification Criteria 13 December 2019. Collection method: clinical testing. Allele origin: germline.
Comment: This variant was observed in the ICSL laboratory as part of a predisposition screen in an ostensibly healthy population. It had not been previously curated by ICSL or reported in the Human Gene Mutation Database (HGMD: prior to June 1st, 2018), and was therefore a candidate for classification through an automated scoring system. Utilizing variant allele frequency, disease prevalence and penetrance estimates, and inheritance mode, an automated score was calculated to assess if this variant is too frequent to cause the disease. Based on the score and internal cut-off values, a variant classified as benign is not then subjected to further curation. The score for this variant resulted in a classification of benign for this disease.

GeneDx
Classification: Benign. Last evaluated: 2014-03-26. Review status: criteria provided, single submitter. Criteria: GeneDx Variant Classification (06012015). Collection method: clinical testing. Allele origin: germline. Affected: yes.
Comment: This variant is considered likely benign or benign based on one or more of the following criteria: it is a conservative change, it occurs at a poorly conserved position in the protein, it is predicted to be benign by multiple in silico algorithms, and/or has population frequency not consistent with disease.

PreventionGenetics, part of Exact Sciences
Classification: Benign for KCNQ3-related condition. Last evaluated: 2019-07-31. Review status: no assertion criteria provided. Collection method: clinical testing. Allele origin: germline. Not counted in ClinVar's aggregate classification.
Comment: This variant is classified as benign based on ACMG/AMP sequence variant interpretation guidelines (Richards et al. 2015 PMID: 25741868, with internal and published modifications).

NM_004519.4(KCNQ3):c.2097C>T (p.Phe699=)

Gene: KCNQ3 (potassium voltage-gated channel subfamily Q member 3; minus strand). Cytogenetic location: 8q24.22.
Variant type: single nucleotide variant.
Coding change: c.2097C>T on transcript NM_004519.4 (MANE Select); coding-DNA position 2097, C replaced by T.
Protein change: p.Phe699=; no amino-acid change (phenylalanine 699 retained).
Molecular consequence: synonymous variant.
Genome position (GRCh38, 1-based): chr8:132,129,784, G>A on the plus strand (C>T on the coding strand, the complement: KCNQ3 is on the minus strand). VCF-style: chr8-132129784-G-A. GRCh37 (hg19) VCF-style: chr8-133142031-G-A.
Other names: p.F699F:TTC>TTT; c.1737C>T, p.Phe579= (NM_001204824.2).
Identifiers: ClinVar variation 138049 (VCV000138049.18), dbSNP rs139678098, ClinGen allele CA291843.